The following is an entry in ClinVar:

NC_000020.11:g.44355659T>C

Gene: HNF4A (hepatocyte nuclear factor 4 alpha; plus strand). Cytogenetic location: 20q13.12.
Variant type: single nucleotide variant.
Genome position: GRCh38 VCF-style: chr20-44355659-T-C. GRCh37 (hg19) VCF-style: chr20-42984299-T-C.
Identifiers: ClinVar variation 3351476 (VCV003351476.3).

ClinVar aggregate classification (germline): Likely pathogenic. Review status: reviewed by expert panel (3 of 4 stars). 2 submissions from 2 submitters: Likely pathogenic (1). 1 of the submissions does not count toward it. Last evaluated 2025-08-29.

Conditions:
HNF4A-related disorder. Also called: HNF4A-related condition.
Monogenic diabetes. Identifiers: Orphanet 183625, MedGen C3888631, MONDO:0015967.

Submissions (2):

ClinGen Monogenic Diabetes Variant Curation Expert Panel
Classification: Likely pathogenic for Monogenic diabetes. Last evaluated: 2025-08-29. Review status: reviewed by expert panel. Criteria: ClinGen Diabetes ACMG Specifications HNF4A V3.0.0. Collection method: curation. Allele origin: germline. Inheritance: Autosomal dominant inheritance.
Comment: The c.-146T>C variant in the hepatocyte nuclear factor 4-alpha gene, HNF4A, is a single nucleotide variant within the promoter of NM_175914.5. This variant is absent from gnomAD v2.1.1 and v4.1.0 (PM2_Supporting). This variant is located within a conserved region of the PDX1 binding site in the promoter (c.-151, -149 to -143) of HNF4A, which is defined as critical for the protein’s function by the ClinGen MDEP (PM1_Supporting). This variant was identified in two unrelated individuals with non-autoimmune and non-absolute/near-absolute insulin-deficient diabetes; however, PS4_Moderate cannot be applied because this number is below the ClinGen MDEP threshold (PMID:11590126, internal lab contributors). Additionally, this variant segregated with diabetes with 10 informative meioses in two families (PP1_Strong; PMID: 11590126, internal lab contributors). Functional studies demonstrated the c.-146T>C variant results in transactivation activity below 60% of wildtype, indicating that this variant impacts protein function (PS3_Supporting; PMID: 11590126). In summary, c.-146T>C meets the criteria to be classified as likely pathogenic for monogenic diabetes. ACMG/AMP criteria applied, as specified by the ClinGen MDEP VCEP (specification version 3.0.0; approved 6/30/2025): PP1_Strong, PP4_Moderate, PM1_Supporting, PM2_Supporting, PS3_Supporting.

PreventionGenetics, part of Exact Sciences
Classification: Likely pathogenic for HNF4A-related condition. Last evaluated: 2025-03-21. Review status: criteria provided, single submitter. Criteria: ACMG Guidelines, 2015. Collection method: clinical testing. Allele origin: germline. Not counted in ClinVar's aggregate classification.
Comment: The HNF4A c.-146T>C variant is located in the 5' untranslated region. This variant has been reported to segregate with diabetes in a large family (10-affected and 6-unaffected individuals genotyped), and functional analysis indicated that it disrupted promoter activity of the HNF4A gene (Thomas et al. 2001. PubMed ID: 11590126). This variant has not been reported in a large population database (gnomAD), indicating it is rare. This variant is interpreted as likely pathogenic.

Literature cited by the submitters: PubMed 11590126 (cited by ClinGen Monogenic Diabetes Variant Curation Expert Panel).